The following is an entry in ClinVar:

ClinVar aggregate classification (germline): Pathogenic (1 of 4 stars; one submission).

Conditions:
Lynch syndrome 5 (LYNCH5). Also called: Colorectal cancer, hereditary nonpolyposis, type 5; Hereditary non-polyposis colorectal cancer, type 5. Identifiers: Orphanet 144, MedGen C1833477, MONDO:0013710, OMIM 614350. Disease mechanism: loss of function.

Submission:

Myriad Genetics, Inc.
Classification: Pathogenic for Lynch syndrome 5. Last evaluated: 2023-10-11. Review status: criteria provided, single submitter. Criteria: Myriad Autosomal Dominant, Autosomal Recessive and X-Linked Classification Criteria (2023). Collection method: clinical testing. Allele origin: unknown.
Comment: This variant is considered pathogenic. This variant creates a termination codon and is predicted to result in premature protein truncation.

NM_000179.3(MSH6):c.1141G>T (p.Glu381Ter)

Gene: MSH6 (mutS homolog 6; plus strand). Cytogenetic location: 2p16.3.
Variant type: single nucleotide variant.
Coding change: c.1141G>T on transcript NM_000179.3 (MANE Select); coding-DNA position 1141, G replaced by T.
Protein change: p.Glu381Ter; replaces glutamic acid 381 with a stop codon.
Molecular consequence: nonsense. On other transcripts: non-coding transcript variant (4), intron variant (1).
Genome position (GRCh38, 1-based): chr2:47,799,124, G>T. VCF-style: chr2-47799124-G-T. GRCh37 (hg19) VCF-style: chr2-48026263-G-T.
Other names: c.751G>T, p.Glu251Ter (NM_001281492.2); c.235G>T, p.Glu79Ter (NM_001281493.2, NM_001281494.2, NM_001406811.1 and 6 more transcripts); c.1237G>T, p.Glu413Ter (NM_001406795.1, NM_001406802.1); c.1141G>T, p.Glu381Ter (NM_001406796.1, NM_001406798.1, NM_001406800.1 and 4 more transcripts); c.844G>T, p.Glu282Ter (NM_001406797.1, NM_001406801.1, NM_001406805.1 and 10 more transcripts); c.616G>T, p.Glu206Ter (NM_001406799.1, NM_001406806.1, NM_001406807.1); c.1063G>T, p.Glu355Ter (NM_001406804.1); c.1147G>T, p.Glu383Ter (NM_001406813.1); and 2 more; short protein forms E206*, E251*, E282*, E325*, E355*, E381*, E383*, E413*.
Identifiers: ClinVar variation 2673924 (VCV002673924.1), dbSNP rs142111387, ClinGen allele CA346742150.